The following is an entry in ClinVar:

ClinVar aggregate classification (germline): Uncertain significance (1 of 4 stars; one submission).

Submission:

Women's Health and Genetics/Laboratory Corporation of America, LabCorp
Classification: Uncertain significance. Last evaluated: 2017-06-23. Review status: criteria provided, single submitter. Criteria: LabCorp Variant Classification Summary - May 2015. Collection method: clinical testing. Allele origin: germline.
Comment: Variant summary: The BRCA2 c.7362T>G (p.Ile2454Met) variant involves the alteration of a non-conserved nucleotide and 3/4 in silico tools predict a benign outcome. However, these predictions have yet to be functionally assessed. This variant is absent in 121176 control chromosomes (ExAC). The variant of interest has not, to our knowledge, been reported in affected individuals via publications and/or reputable databases/clinical diagnostic laboratories. Because of the absence of clinical information and the lack of functional studies, the variant is classified as a "Variant of Uncertain Significance (VUS)," until additional information becomes available.

NM_000059.4(BRCA2):c.7362T>G (p.Ile2454Met)

Gene: BRCA2 (BRCA2 DNA repair associated; plus strand). Cytogenetic location: 13q13.1.
Variant type: single nucleotide variant.
Coding change: c.7362T>G on transcript NM_000059.4 (MANE Select); coding-DNA position 7362, T replaced by G.
Protein change: p.Ile2454Met; replaces isoleucine 2454 with methionine.
Molecular consequence: missense variant.
Genome position (GRCh38, 1-based): chr13:32,355,215, T>G. VCF-style: chr13-32355215-T-G. GRCh37 (hg19) VCF-style: chr13-32929352-T-G.
Other names: short protein forms I2454M.
Identifiers: ClinVar variation 495497 (VCV000495497.1), dbSNP rs1555286087, ClinGen allele CA387741452.
Genomic context (GRCh38, chr13:32,355,215, plus strand): 5'-GCAAAACATTGATGGACATGGCTCTGATGATAGTAAAAATAAGATTAATGACAATGAGAT[T>G]CATCAGTTTAACAAAAACAACTCCAATCAAGCAGTAGCTGTAACTTTCACAAAGTGTGAA-3'
Protein context (NP_000050.3, residues 2444-2464): DSKNKINDNE[Ile2454Met]HQFNKNNSNQ